The following is an entry in ClinVar:

ClinVar aggregate classification (germline): Uncertain significance (1 of 4 stars; one submission).

Conditions:
CFI-related disorder. Also called: CFI-related condition; CFI-related disorders. Identifiers: MedGen CN239325.

Submission:

Genomenon, Inc
Classification: Uncertain significance for CFI-related disorder. Last evaluated: 2025-09-26. Review status: criteria provided, single submitter. Criteria: Genomenon Sequence Variant Interpretation Standards - Updated. Collection method: curation. Allele origin: germline. Affected: no.
Comment: CFI p.Lys267Gln (c.799A>C) is a missense variant that changes the amino acid at residue 267 from Lysine to Glutamine. To our knowledge, this variant has not been reported in patients affected with CFI-related disorders in the published literature. Functional studies have been reported; however, the significance of the findings remain unclear (20044478). It is absent or not present at a significant frequency in gnomAD. In silico models agree that this variant is possibly or probably damaging. In conclusion, we classify CFI p.Lys267Gln (c.799A>C) as a variant of unknown significance.

NM_000204.5(CFI):c.799A>C (p.Lys267Gln)

Gene: CFI (complement factor I; minus strand). Cytogenetic location: 4q25.
Variant type: single nucleotide variant.
Coding change: c.799A>C on transcript NM_000204.5 (MANE Select); coding-DNA position 799, A replaced by C.
Protein change: p.Lys267Gln; replaces lysine 267 with glutamine.
Molecular consequence: missense variant. On other transcripts: non-coding transcript variant (3).
Genome position (GRCh38, 1-based): chr4:109,760,354, T>G on the plus strand (A>C on the coding strand, the complement: CFI is on the minus strand). VCF-style: chr4-109760354-T-G. GRCh37 (hg19) VCF-style: chr4-110681510-T-G.
Other names: c.799A>C, p.Lys267Gln (NM_001318057.2, NM_001331035.2, NM_001375278.1 and 10 more transcripts); c.190A>C, p.Lys64Gln (NM_001375284.1); short protein forms K267Q, K64Q.
Identifiers: ClinVar variation 4280508 (VCV004280508.1).
Genomic context (GRCh38, chr4:109,760,354, plus strand): 5'-CTGTAATGCAGTCCACCTCACCATTGCATTGATACTGGCTTGGAATGCAAACACCCGATT[T>G]GCAATGGAAGCCTTTGCCTTGGCATGCTGTGCAAACATAAGCAGGAGAGGTTTTTTTCAT-3'
Protein context (NP_000195.3, residues 257-277): KACQGKGFHC[Lys267Gln]SGVCIPSQYQ